The following is an entry in ClinVar:

NM_020964.3(EPG5):c.7558-132C>T

Gene: EPG5 (ectopic P-granules 5 autophagy tethering factor; minus strand). Cytogenetic location: 18q12.3.
Variant type: single nucleotide variant.
Coding change: c.7558-132C>T on transcript NM_020964.3 (MANE Select); 132 bases into the intron before coding-DNA position 7558, C replaced by T.
Molecular consequence: intron variant.
Genome position (GRCh38, 1-based): chr18:45,852,781, G>A on the plus strand (C>T on the coding strand, the complement: EPG5 is on the minus strand). VCF-style: chr18-45852781-G-A. GRCh37 (hg19) VCF-style: chr18-43432746-G-A.
Identifiers: ClinVar variation 1691577 (VCV001691577.3), dbSNP rs146977012, ClinGen allele CA299686023.

ClinVar aggregate classification (germline): Likely benign (1 of 4 stars; one submission).

Allele frequency attached by ClinVar (database versions not stated): gnomAD exomes 0.00036; gnomAD 0.00391 and 0.00426; 1000 Genomes Project 0.00419; TOPMed 0.00477; 1000 Genomes Project 30x 0.00531.
gnomAD v4.1: 831 of 775,914 alleles (0.11%); highest among the groups gnomAD compares: African/African-American, 1.3%; 9 homozygotes.

Submission:

GeneDx
Classification: Likely benign. Last evaluated: 2021-06-15. Review status: criteria provided, single submitter. Criteria: GeneDx Variant Classification Process June 2021. Collection method: clinical testing. Allele origin: germline. Affected: yes.
Comment: See Variant Classification Assertion Criteria.